The following is an entry in ClinVar:

NM_004260.4(RECQL4):c.3280G>T (p.Glu1094Ter)

Gene: RECQL4 (RecQ like helicase 4; minus strand). Cytogenetic location: 8q24.3.
Variant type: single nucleotide variant.
Coding change: c.3280G>T on transcript NM_004260.4 (MANE Select); coding-DNA position 3280, G replaced by T.
Protein change: p.Glu1094Ter; replaces glutamic acid 1094 with a stop codon.
Molecular consequence: nonsense.
Genome position (GRCh38, 1-based): chr8:144,512,024, C>A on the plus strand (G>T on the coding strand, the complement: RECQL4 is on the minus strand). VCF-style: chr8-144512024-C-A. GRCh37 (hg19) VCF-style: chr8-145737407-C-A.
Other names: short protein forms E1094*.
Identifiers: ClinVar variation 657236 (VCV000657236.5), dbSNP rs1586791537, ClinGen allele CA372669003.

ClinVar aggregate classification (germline): Pathogenic (1 of 4 stars; one submission).

Conditions:
Baller-Gerold syndrome (BGS). Also called: CRANIOSYNOSTOSIS WITH RADIAL DEFECTS. Identifiers: Orphanet 1225, MedGen C0265308, MONDO:0009039, OMIM 218600.

Submission:

Labcorp Genetics (formerly Invitae), Labcorp
Classification: Pathogenic for Baller-Gerold syndrome. Last evaluated: 2018-12-14. Review status: criteria provided, single submitter. Criteria: Invitae Variant Classification Sherloc (09022015). Collection method: clinical testing. Allele origin: germline.
Comment: For these reasons, this variant has been classified as Pathogenic. This sequence change creates a premature translational stop signal (p.Glu1094*) in the RECQL4 gene. It is expected to result in an absent or disrupted protein product. This variant is not present in population databases (ExAC no frequency). This variant has not been reported in the literature in individuals with RECQL4-related conditions. Loss-of-function variants in RECQL4 are known to be pathogenic (PMID: 12734318, 12952869).

Literature cited by the submitters: PubMed 12734318; PubMed 12952869.